The following is an entry in ClinVar:

NM_004991.4(MECOM):c.3409G>C (p.Glu1137Gln)

Gene: MECOM (MDS1 and EVI1 complex locus; minus strand). Cytogenetic location: 3q26.2.
Variant type: single nucleotide variant.
Coding change: c.3409G>C on transcript NM_004991.4 (MANE Select); coding-DNA position 3409, G replaced by C.
Protein change: p.Glu1137Gln; replaces glutamic acid 1137 with glutamine.
Molecular consequence: missense variant.
Genome position (GRCh38, 1-based): chr3:169,089,176, C>G on the plus strand (G>C on the coding strand, the complement: MECOM is on the minus strand). VCF-style: chr3-169089176-C-G. GRCh37 (hg19) VCF-style: chr3-168806964-C-G.
Other names: c.3040G>C, p.Glu1014Gln (NM_001105077.4); c.2845G>C, p.Glu949Gln (NM_001105078.4, NM_001205194.2, NM_001366469.2 and 1 more transcripts); c.2821G>C, p.Glu941Gln (NM_001163999.2, NM_001366470.2); c.2818G>C, p.Glu940Gln (NM_001164000.2, NM_001366471.2, NM_001366472.2); c.3382G>C, p.Glu1128Gln (NM_001366466.2); c.2848G>C, p.Glu950Gln (NM_001366467.2, NM_001366468.2); c.2410G>C, p.Glu804Gln (NM_001366473.2); c.1846G>C, p.Glu616Gln (NM_001366474.2); short protein forms E940Q, E1014Q, E804Q, E950Q, E1128Q, E1137Q, E616Q, E941Q.
Identifiers: ClinVar variation 3394269 (VCV003394269.1).

ClinVar aggregate classification (germline): Uncertain significance (1 of 4 stars; one submission).

Conditions:
Inborn genetic diseases. Identifiers: MedGen C0950123, MeSH D030342.

gnomAD v4.1: 5 of 1,519,202 alleles (0.00033%); highest among the groups gnomAD compares: Non-Finnish European, 0.00035%; no homozygotes.

Submission:

Ambry Genetics
Classification: Uncertain significance for Inborn genetic diseases. Last evaluated: 2024-11-21. Review status: criteria provided, single submitter. Criteria: Ambry Variant Classification Scheme 2023. Collection method: clinical testing. Allele origin: germline.
Comment: The p.E1137Q variant (also known as c.3409G>C), located in coding exon 16 of the MECOM gene, results from a G to C substitution at nucleotide position 3409. The glutamic acid at codon 1137 is replaced by glutamine, an amino acid with highly similar properties. This amino acid position is conserved. In addition, this alteration is predicted to be tolerated by in silico analysis. Based on the available evidence, the clinical significance of this variant remains unclear.